The following is an entry in ClinVar:

ClinVar aggregate classification (germline): Uncertain significance (1 of 4 stars; one submission).

Conditions:
Hereditary spastic paraplegia 39 (SPG39). Also called: Spastic Paraplegia Type 39 (SPG39); SPASTIC PARAPLEGIA 39, AUTOSOMAL RECESSIVE. Identifiers: Orphanet 139480, MedGen C2677586, MONDO:0012787, OMIM 612020.

gnomAD v4.1: 2 of 1,613,392 alleles (0.00012%); highest among the groups gnomAD compares: Admixed American, 0.0033%; no homozygotes.

Submission:

Labcorp Genetics (formerly Invitae), Labcorp
Classification: Uncertain significance for Hereditary spastic paraplegia 39. Last evaluated: 2024-11-12. Review status: criteria provided, single submitter. Criteria: Invitae Variant Classification Sherloc (09022015). Collection method: clinical testing. Allele origin: germline.
Comment: This sequence change replaces glycine, which is neutral and non-polar, with arginine, which is basic and polar, at codon 964 of the PNPLA6 protein (p.Gly964Arg). This variant is present in population databases (no rsID available, gnomAD 0.006%). This variant has not been reported in the literature in individuals affected with PNPLA6-related conditions. ClinVar contains an entry for this variant (Variation ID: 1511730). Invitae Evidence Modeling of protein sequence and biophysical properties (such as structural, functional, and spatial information, amino acid conservation, physicochemical variation, residue mobility, and thermodynamic stability) indicates that this missense variant is expected to disrupt PNPLA6 protein function with a positive predictive value of 80%. This variant disrupts the p.Gly964 amino acid residue in PNPLA6. Other variant(s) that disrupt this residue have been observed in individuals with PNPLA6-related conditions (PMID: 30015775, 35069422), which suggests that this may be a clinically significant amino acid residue. In summary, the available evidence is currently insufficient to determine the role of this variant in disease. Therefore, it has been classified as a Variant of Uncertain Significance.

Literature cited by the submitters: PubMed 30015775; PubMed 35069422.

NM_001166114.2(PNPLA6):c.3004G>C (p.Gly1002Arg)

Gene: PNPLA6 (patatin like domain 6, lysophospholipase; plus strand). Cytogenetic location: 19p13.2.
Variant type: single nucleotide variant.
Coding change: c.3004G>C on transcript NM_001166114.2 (MANE Select); coding-DNA position 3004, G replaced by C.
Protein change: p.Gly1002Arg; replaces glycine 1002 with arginine.
Molecular consequence: missense variant.
Genome position (GRCh38, 1-based): chr19:7,555,674, G>C. VCF-style: chr19-7555674-G-C. GRCh37 (hg19) VCF-style: chr19-7620560-G-C.
Other names: c.3034G>C, p.Gly1012Arg (NM_001166111.2); c.2809G>C, p.Gly937Arg (NM_001166112.2); c.2890G>C, p.Gly964Arg (NM_001166113.1, NM_006702.5); short protein forms G1002R, G937R, G1012R, G964R.
Identifiers: ClinVar variation 1511730 (VCV001511730.6), dbSNP rs772547801, ClinGen allele CA403131686.